The following is an entry in ClinVar:

NM_198252.3(GSN):c.304G>A (p.Glu102Lys)

Gene: GSN (gelsolin; plus strand). Cytogenetic location: 9q33.2.
Variant type: single nucleotide variant.
Coding change: c.304G>A on transcript NM_198252.3 (MANE Select); coding-DNA position 304, G replaced by A.
Protein change: p.Glu102Lys; replaces glutamic acid 102 with lysine.
Molecular consequence: missense variant. On other transcripts: 5 prime UTR variant (1).
Genome position (GRCh38, 1-based): chr9:121,303,018, G>A. VCF-style: chr9-121303018-G-A. GRCh37 (hg19) VCF-style: chr9-124065296-G-A.
Other names: c.457G>A, p.Glu153Lys (NM_000177.5); c.304G>A, p.Glu102Lys (NM_001127662.2, NM_001127664.2, NM_001127665.2 and 10 more transcripts); c.412G>A, p.Glu138Lys (NM_001127663.2); c.337G>A, p.Glu113Lys (NM_001127666.2, NM_001353063.2, NM_001353064.2 and 13 more transcripts); c.376G>A, p.Glu126Lys (NM_001353076.2); c.-351G>A (NM_001353078.2); c.355G>A, p.Glu119Lys (NM_001258029.2); c.328G>A, p.Glu110Lys (NM_001258030.2); short protein forms E113K, E153K, E102K, E119K, E110K, E138K, E126K.
Identifiers: ClinVar variation 2869391 (VCV002869391.3), dbSNP rs895304313, ClinGen allele CA199407167.

ClinVar aggregate classification (germline): Uncertain significance (1 of 4 stars; one submission).

Allele frequency attached by ClinVar (database versions not stated): gnomAD exomes below 0.00001; TOPMed below 0.00001.
gnomAD v4.1: 1 of 1,613,940 alleles (0.000062%); highest among the groups gnomAD compares: Non-Finnish European, 0.000085%; no homozygotes.

Submission:

Labcorp Genetics (formerly Invitae), Labcorp
Classification: Uncertain significance. Last evaluated: 2023-06-15. Review status: criteria provided, single submitter. Criteria: Invitae Variant Classification Sherloc (09022015). Collection method: clinical testing. Allele origin: germline.
Comment: In summary, the available evidence is currently insufficient to determine the role of this variant in disease. Therefore, it has been classified as a Variant of Uncertain Significance. An algorithm developed to predict the effect of missense changes on protein structure and function (PolyPhen-2) suggests that this variant is likely to be disruptive. This variant has not been reported in the literature in individuals affected with GSN-related conditions. This variant is not present in population databases (gnomAD no frequency). This sequence change replaces glutamic acid, which is acidic and polar, with lysine, which is basic and polar, at codon 153 of the GSN protein (p.Glu153Lys).